The following is an entry in ClinVar:

NM_019032.6(ADAMTSL4):c.2671T>C (p.Cys891Arg)

Gene: ADAMTSL4 (ADAMTS like 4; plus strand). Cytogenetic location: 1q21.2.
Variant type: single nucleotide variant.
Coding change: c.2671T>C on transcript NM_019032.6 (MANE Select); coding-DNA position 2671, T replaced by C.
Protein change: p.Cys891Arg; replaces cysteine 891 with arginine.
Molecular consequence: missense variant.
Genome position (GRCh38, 1-based): chr1:150,559,073, T>C. VCF-style: chr1-150559073-T-C. GRCh37 (hg19) VCF-style: chr1-150531549-T-C.
Other names: c.2554T>C, p.Cys852Arg (NM_001288607.2); c.2740T>C, p.Cys914Arg (NM_001288608.2); c.2671T>C, p.Cys891Arg (NM_001378596.1); short protein forms C914R, C852R, C891R.
Identifiers: ClinVar variation 1419443 (VCV001419443.3), dbSNP rs746315785, ClinGen allele CA1078803.

ClinVar aggregate classification (germline): Uncertain significance (1 of 4 stars; one submission).

Allele frequency attached by ClinVar (database versions not stated): gnomAD exomes 0.00002; ExAC 0.00003; TOPMed 0.00003; gnomAD 0.00005.
gnomAD v4.1: 35 of 1,612,618 alleles (0.0022%); highest among the groups gnomAD compares: Non-Finnish European, 0.0029%; no homozygotes.

Submission:

Labcorp Genetics (formerly Invitae), Labcorp
Classification: Uncertain significance. Last evaluated: 2022-02-22. Review status: criteria provided, single submitter. Criteria: Invitae Variant Classification Sherloc (09022015). Collection method: clinical testing. Allele origin: germline.
Comment: This sequence change replaces cysteine, which is neutral and slightly polar, with arginine, which is basic and polar, at codon 891 of the ADAMTSL4 protein (p.Cys891Arg). This variant is present in population databases (rs746315785, gnomAD 0.004%). This variant has not been reported in the literature in individuals affected with ADAMTSL4-related conditions. Algorithms developed to predict the effect of missense changes on protein structure and function (SIFT, PolyPhen-2, Align-GVGD) all suggest that this variant is likely to be disruptive. In summary, the available evidence is currently insufficient to determine the role of this variant in disease. Therefore, it has been classified as a Variant of Uncertain Significance.